The following is an entry in ClinVar:

NM_005045.4(RELN):c.5211-1G>A

Gene: RELN (reelin; minus strand). Cytogenetic location: 7q22.1.
Variant type: single nucleotide variant.
Coding change: c.5211-1G>A on transcript NM_005045.4 (MANE Select); the canonical splice acceptor site of the intron before coding-DNA position 5211, G replaced by A.
Molecular consequence: splice acceptor variant.
Genome position (GRCh38, 1-based): chr7:103,561,954, C>T on the plus strand (G>A on the coding strand, the complement: RELN is on the minus strand). VCF-style: chr7-103561954-C-T. GRCh37 (hg19) VCF-style: chr7-103202401-C-T.
Other names: c.5211-1G>A (NM_173054.3).
Identifiers: ClinVar variation 4785413 (VCV004785413.1).

ClinVar aggregate classification (germline): Likely pathogenic (1 of 4 stars; one submission).

Conditions:
Norman-Roberts syndrome (LIS2). Also called: Lissencephaly 2 (Norman-Roberts type). Identifiers: Orphanet 89844, MedGen C0796089, MONDO:0009760, OMIM 257320.
Familial temporal lobe epilepsy 7. Identifiers: Orphanet 101046, MedGen C4225327, MONDO:0014639, OMIM 616436.

Submission:

Labcorp Genetics (formerly Invitae), Labcorp
Classification: Likely pathogenic for Familial temporal lobe epilepsy 7; Norman-Roberts syndrome. Last evaluated: 2025-07-05. Review status: criteria provided, single submitter. Criteria: Invitae Variant Classification Sherloc (09022015). Collection method: clinical testing. Allele origin: germline.
Comment: This sequence change affects an acceptor splice site in intron 34 of the RELN gene. It is expected to disrupt RNA splicing. Variants that disrupt the donor or acceptor splice site typically lead to a loss of protein function (PMID: 16199547), and loss-of-function variants in RELN are known to be pathogenic (PMID: 10973257, 26046367, 28454995). This variant is not present in population databases (gnomAD no frequency). This variant has not been reported in the literature in individuals affected with RELN-related conditions. Algorithms developed to predict the effect of sequence changes on RNA splicing suggest that this variant may disrupt the consensus splice site. In summary, the currently available evidence indicates that the variant is pathogenic, but additional data are needed to prove that conclusively. Therefore, this variant has been classified as Likely Pathogenic.

Literature cited by the submitters: PubMed 16199547; PubMed 10973257; PubMed 26046367; PubMed 28454995.